The following is an entry in ClinVar:

ClinVar aggregate classification (germline): Uncertain significance. Review status: criteria provided, multiple submitters, no conflicts (2 of 4 stars). 2 submissions from 2 submitters: Uncertain significance (2). Last evaluated 2024-08-31.

Conditions:
Hereditary cancer-predisposing syndrome. Also called: Hereditary Cancer Syndrome; Tumor predisposition; Hereditary neoplastic syndrome; Neoplastic Syndromes, Hereditary. Identifiers: Orphanet 140162, MedGen C0027672, MeSH D009386, MONDO:0015356.
Juvenile polyposis syndrome (JPS). Identifiers: Orphanet 2929, MedGen C0345893, MONDO:0017380, OMIM 174900.

Submissions (2):

Ambry Genetics
Classification: Uncertain significance for Hereditary cancer-predisposing syndrome. Last evaluated: 2024-08-31. Review status: criteria provided, single submitter. Criteria: Ambry Variant Classification Scheme 2023. Collection method: clinical testing. Allele origin: germline.
Comment: The p.K333Q variant (also known as c.997A>C), located in coding exon 8 of the BMPR1A gene, results from an A to C substitution at nucleotide position 997. The lysine at codon 333 is replaced by glutamine, an amino acid with similar properties. This amino acid position is conserved. In addition, this alteration is predicted to be tolerated by in silico analysis. Based on the available evidence, the clinical significance of this variant remains unclear.

Labcorp Genetics (formerly Invitae), Labcorp
Classification: Uncertain significance for Juvenile polyposis syndrome. Last evaluated: 2023-08-08. Review status: criteria provided, single submitter. Criteria: Invitae Variant Classification Sherloc (09022015). Collection method: clinical testing. Allele origin: germline.
Comment: This sequence change replaces lysine, which is basic and polar, with glutamine, which is neutral and polar, at codon 333 of the BMPR1A protein (p.Lys333Gln). This variant is not present in population databases (gnomAD no frequency). This variant has not been reported in the literature in individuals affected with BMPR1A-related conditions. Advanced modeling of protein sequence and biophysical properties (such as structural, functional, and spatial information, amino acid conservation, physicochemical variation, residue mobility, and thermodynamic stability) performed at Invitae indicates that this missense variant is not expected to disrupt BMPR1A protein function. In summary, the available evidence is currently insufficient to determine the role of this variant in disease. Therefore, it has been classified as a Variant of Uncertain Significance.

NM_004329.3(BMPR1A):c.997A>C (p.Lys333Gln)

Gene: BMPR1A (bone morphogenetic protein receptor type 1A; plus strand). Cytogenetic location: 10q23.2.
Variant type: single nucleotide variant.
Coding change: c.997A>C on transcript NM_004329.3 (MANE Select); coding-DNA position 997, A replaced by C.
Protein change: p.Lys333Gln; replaces lysine 333 with glutamine.
Molecular consequence: missense variant. On other transcripts: non-coding transcript variant (3).
Genome position (GRCh38, 1-based): chr10:86,919,300, A>C. VCF-style: chr10-86919300-A-C. GRCh37 (hg19) VCF-style: chr10-88679057-A-C.
Other names: c.1072A>C, p.Lys358Gln (NM_001406559.1); c.1045A>C, p.Lys349Gln (NM_001406560.1); c.997A>C, p.Lys333Gln (NM_001406561.1, NM_001406562.1, NM_001406563.1 and 19 more transcripts); c.991A>C, p.Lys331Gln (NM_001406583.1); c.913A>C, p.Lys305Gln (NM_001406584.1, NM_001406585.1, NM_001406586.1 and 2 more transcripts); c.655A>C, p.Lys219Gln (NM_001406589.1); short protein forms K219Q, K358Q, K349Q, K331Q, K305Q, K333Q.
Identifiers: ClinVar variation 2751154 (VCV002751154.4), dbSNP rs2539620286, ClinGen allele CA377460462.